The following is an entry in ClinVar:

ClinVar aggregate classification (germline): Uncertain significance (1 of 4 stars; one submission).

Allele frequency attached by ClinVar (database versions not stated): gnomAD exomes 0.00001.
gnomAD v4.1: 3 of 398,718 alleles (0.00075%); highest among the groups gnomAD compares: Non-Finnish European, 0.0013%; no homozygotes.

Submission:

CeGaT Center for Human Genetics Tuebingen
Classification: Uncertain significance. Last evaluated: 2022-08-01. Review status: criteria provided, single submitter. Criteria: CeGaT Center For Human Genetics Tuebingen Variant Classification Criteria Version 2. Collection method: clinical testing. Allele origin: germline. Affected: yes. Observed: 1 variant allele.
Comment: KCNQ1OT1: PM2

NM_000218.3(KCNQ1):c.1514+4889G>C

Genes: KCNQ1 (potassium voltage-gated channel subfamily Q member 1; plus strand), KCNQ1OT1 (KCNQ1 opposite strand/antisense transcript 1; minus strand). Cytogenetic location: 11p15.5.
Variant type: single nucleotide variant.
Coding change: c.1514+4889G>C on transcript NM_000218.3 (MANE Select); 4889 bases into the intron after coding-DNA position 1514, G replaced by C.
Molecular consequence: intron variant. On other transcripts: non-coding transcript variant (1).
Genome position (GRCh38, 1-based): chr11:2,666,970, G>C. VCF-style: chr11-2666970-G-C. GRCh37 (hg19) VCF-style: chr11-2688200-G-C.
Other names: c.1244+4889G>C (NM_001406837.1); c.1418+4889G>C (NM_001406836.1); c.974+4889G>C (NM_001406838.1); c.1133+4889G>C (NM_181798.2).
Identifiers: ClinVar variation 2641461 (VCV002641461.24), dbSNP rs1850083664, ClinGen allele CA472741393.